The following is an entry in ClinVar:

ClinVar aggregate classification (germline): Benign. Review status: criteria provided, multiple submitters, no conflicts (2 of 4 stars). 3 submissions from 3 submitters: Benign (2). 1 of the submissions does not count toward it. Last evaluated 2019-12-31.

Conditions:
PRKD1-related disorder. Also called: PRKD1-related condition.

Allele frequency attached by ClinVar (database versions not stated): gnomAD 0.00613 and 0.00584; TOPMed 0.00627; 1000 Genomes Project 0.00699; ESP Exome Variant Server 0.00554; gnomAD exomes 0.00054 and 0.00142; ExAC 0.00188; 1000 Genomes Project 30x 0.00781.
gnomAD v4.1: 1,740 of 1,613,856 alleles (0.11%); highest among the groups gnomAD compares: African/African-American, 1.9%; 19 homozygotes.

Submissions (3):

Labcorp Genetics (formerly Invitae), Labcorp
Classification: Benign. Last evaluated: 2019-12-31. Review status: criteria provided, single submitter. Criteria: Invitae Variant Classification Sherloc (09022015). Collection method: clinical testing. Allele origin: germline.

Breakthrough Genomics
Classification: Benign. Review status: criteria provided, single submitter. Criteria: ACMG Guidelines, 2015. Collection method: not provided. Allele origin: germline. Inheritance: Autosomal dominant inheritance. Affected: yes.

PreventionGenetics, part of Exact Sciences
Classification: Benign for PRKD1-related condition. Last evaluated: 2019-02-21. Review status: no assertion criteria provided. Collection method: clinical testing. Allele origin: germline. Not counted in ClinVar's aggregate classification.
Comment: This variant is classified as benign based on ACMG/AMP sequence variant interpretation guidelines (Richards et al. 2015 PMID: 25741868, with internal and published modifications).

NM_002742.3(PRKD1):c.2657A>G (p.Asn886Ser)

Gene: PRKD1 (protein kinase D1; minus strand). Cytogenetic location: 14q12.
Variant type: single nucleotide variant.
Coding change: c.2657A>G on transcript NM_002742.3 (MANE Select); coding-DNA position 2657, A replaced by G.
Protein change: p.Asn886Ser; replaces asparagine 886 with serine.
Molecular consequence: missense variant.
Genome position (GRCh38, 1-based): chr14:29,577,320, T>C on the plus strand (A>G on the coding strand, the complement: PRKD1 is on the minus strand). VCF-style: chr14-29577320-T-C. GRCh37 (hg19) VCF-style: chr14-30046526-T-C.
Other names: c.2681A>G, p.Asn894Ser (NM_001330069.2); c.2393A>G, p.Asn798Ser (NM_001348390.1); c.2681A>G (NM_001330069.1); short protein forms N894S, N798S, N886S.
Identifiers: ClinVar variation 784280 (VCV000784280.7), dbSNP rs45585836, ClinGen allele CA7140831.
Genomic context (GRCh38, chr14:29,577,320, plus strand): 5'-CCGAGGGCTTTCATTTCTGTTTCTTCAGTCTCAGGAGTGTCACTGTGGCTAGCACTTGGA[T>C]TGATCAGGTGTGTGGGGTACTGCAGCCCCTGCTCGCCTGCATACTTCTCCCACCTCAGGT-3'
Protein context (NP_002733.2, residues 876-896): QGLQYPTHLI[Asn886Ser]PSASHSDTPE